The following is an entry in ClinVar:

NM_000455.5(STK11):c.374+5C>T

Gene: STK11 (serine/threonine kinase 11; plus strand). Cytogenetic location: 19p13.3.
Variant type: single nucleotide variant.
Coding change: c.374+5C>T on transcript NM_000455.5 (MANE Select); 5 bases into the intron after coding-DNA position 374, C replaced by T.
Molecular consequence: intron variant.
Genome position (GRCh38, 1-based): chr19:1,218,505, C>T. VCF-style: chr19-1218505-C-T. GRCh37 (hg19) VCF-style: chr19-1218504-C-T.
Other names: c.374+5C>T (NM_001407255.1).
Identifiers: ClinVar variation 2790004 (VCV002790004.3), dbSNP rs2145420888, ClinGen allele CA2739276337.

ClinVar aggregate classification (germline): Uncertain significance (1 of 4 stars; one submission).

Conditions:
Peutz-Jeghers syndrome (PJS). Also called: Peutz-Jeghers polyposis; Periorificial lentiginosis syndrome; POLYPOSIS, HAMARTOMATOUS INTESTINAL; POLYPS-AND-SPOTS SYNDROME. Identifiers: Orphanet 2869, MedGen C0031269, MeSH D010580, MONDO:0008280, OMIM 175200.

Submission:

Labcorp Genetics (formerly Invitae), Labcorp
Classification: Uncertain significance for Peutz-Jeghers syndrome. Last evaluated: 2023-07-18. Review status: criteria provided, single submitter. Criteria: Invitae Variant Classification Sherloc (09022015). Collection method: clinical testing. Allele origin: germline.
Comment: In summary, the available evidence is currently insufficient to determine the role of this variant in disease. Therefore, it has been classified as a Variant of Uncertain Significance. Variants that disrupt the consensus splice site are a relatively common cause of aberrant splicing (PMID: 17576681, 9536098). Algorithms developed to predict the effect of sequence changes on RNA splicing suggest that this variant may disrupt the consensus splice site. This variant has not been reported in the literature in individuals affected with STK11-related conditions. This variant is not present in population databases (gnomAD no frequency). This sequence change falls in intron 2 of the STK11 gene. It does not directly change the encoded amino acid sequence of the STK11 protein. It affects a nucleotide within the consensus splice site.

Literature cited by the submitters: PubMed 17576681; PubMed 9536098.